The following is an entry in ClinVar:

Conditions:
Breast-ovarian cancer, familial, susceptibility to, 1 (BROVCA1). Also called: BRCA1 Hereditary Breast and Ovarian Cancer; OVARIAN CANCER, SUSCEPTIBILITY TO. Identifiers: Orphanet 145, MedGen C2676676, MONDO:0011450, OMIM 604370. Disease mechanism: loss of function.

Submission:

Brotman Baty Institute, University of Washington
No classification provided (evidence only). Condition: Breast-ovarian cancer, familial 1. Review status: no classification provided. Collection method: in vitro. Allele origin: not applicable. Functional consequence: functionally_abnormal.
ClinVar note: "not provided" was previously submitted as the classification for the variant. However, the classification appeared to be based only on an observation of functional data so it was converted to no classification on 2025-07-30.

NM_007294.4(BRCA1):c.135-2A>T

Gene: BRCA1 (BRCA1 DNA repair associated; minus strand). Cytogenetic location: 17q21.31.
Variant type: single nucleotide variant.
Coding change: c.135-2A>T on transcript NM_007294.4 (MANE Select); the canonical splice acceptor site of the intron before coding-DNA position 135, A replaced by T.
Molecular consequence: splice acceptor variant. On other transcripts: intron variant (34).
Genome position (GRCh38, 1-based): chr17:43,106,535, T>A on the plus strand (A>T on the coding strand, the complement: BRCA1 is on the minus strand). VCF-style: chr17-43106535-T-A. GRCh37 (hg19) VCF-style: chr17-41258552-T-A.
Other names: c.-169-1579A>T (NM_001407963.1, NM_001407960.1, NM_001407965.1 and 4 more transcripts); c.-7-2A>T (NM_001408511.1, NM_001408457.1, NM_001407692.1 and 99 more transcripts); c.-54-2A>T (NM_001407899.1, NM_001408507.1, NM_001407917.1 and 58 more transcripts); c.135-2A>T (NM_001408495.1, NM_001408448.1, NM_001408421.1 and 167 more transcripts); c.135-1579A>T (NM_001408414.1, NM_001408411.1, NM_001407655.1 and 21 more transcripts); c.-218-11675A>T (NM_001407967.1, NM_001407966.1); c.81-1579A>T (NM_001408451.1).
Identifiers: ClinVar variation 867261 (VCV000867261.3), dbSNP rs80358065, ClinGen allele CA10601886.